The following is an entry in ClinVar:

NM_004990.4(MARS1):c.2511C>G (p.Ala837=)

Gene: MARS1 (methionyl-tRNA synthetase 1; plus strand). Cytogenetic location: 12q13.3.
Variant type: single nucleotide variant.
Coding change: c.2511C>G on transcript NM_004990.4 (MANE Select); coding-DNA position 2511, C replaced by G.
Protein change: p.Ala837=; no amino-acid change (alanine 837 retained).
Molecular consequence: synonymous variant.
Genome position (GRCh38, 1-based): chr12:57,516,292, C>G. VCF-style: chr12-57516292-C-G. GRCh37 (hg19) VCF-style: chr12-57910075-C-G.
Identifiers: ClinVar variation 542182 (VCV000542182.44), dbSNP rs780483586, ClinGen allele CA6650872.
Genomic context (GRCh38, chr12:57,516,292, plus strand): 5'-TGTTGTTCTCCAGGCAAAAACGTCCCCGAAGCCAGCAGTTGTAGAGACTGTTACAACAGC[C>G]AAGCCACAGCAGATACAAGCGCTGATGGATGAAGTGACAAAACAAGTATGAAGCTTAAGC-3'
Protein context (NP_004981.2, residues 827-847): KPAVVETVTT[Ala837=]KPQQIQALMD

ClinVar aggregate classification (germline): Likely benign. Review status: criteria provided, multiple submitters, no conflicts (2 of 4 stars). 5 submissions from 5 submitters: Likely benign (5). Last evaluated 2025-07-15.

Conditions:
Charcot-Marie-Tooth disease axonal type 2U. Also called: CHARCOT-MARIE-TOOTH NEUROPATHY, TYPE 2U; CHARCOT-MARIE-TOOTH DISEASE, AXONAL, AUTOSOMAL DOMINANT, TYPE 2U. Identifiers: Orphanet 397735, MedGen C4084821, MONDO:0014566, OMIM 616280.
Severe early-onset pulmonary alveolar proteinosis due to MARS deficiency. Also called: PULMONARY ALVEOLAR PROTEINOSIS, REUNION ISLAND; Interstitial lung and liver disease. Identifiers: Orphanet 440427, MedGen C4225400, MONDO:0014206, OMIM 615486.
MARS1-related disorder. Also called: MARS1-related condition.
Charcot-Marie-Tooth disease. Also called: Charcot-Marie-Tooth Neuropathy; Charcot-Marie-Tooth Hereditary Neuropathy. Identifiers: Orphanet 166, MedGen C0007959, MONDO:0015626.

Allele frequency attached by ClinVar (database versions not stated): gnomAD exomes 0.00001; gnomAD 0.00002; TOPMed 0.00007.
gnomAD v4.1: 18 of 1,609,142 alleles (0.0011%); highest among the groups gnomAD compares: Middle Eastern, 0.016%; no homozygotes.

Submissions (5):

PreventionGenetics, part of Exact Sciences
Classification: Likely benign for MARS1-related condition. Last evaluated: 2025-07-15. Review status: criteria provided, single submitter. Criteria: ACMG Guidelines, 2015. Collection method: clinical testing. Allele origin: germline.
Comment: This variant is classified as likely benign based on ACMG/AMP sequence variant interpretation guidelines (Richards et al. 2015 PMID: 25741868, with internal and published modifications).

Labcorp Genetics (formerly Invitae), Labcorp
Classification: Likely benign for Charcot-Marie-Tooth disease axonal type 2U; Severe early-onset pulmonary alveolar proteinosis due to MARS deficiency. Last evaluated: 2025-01-17. Review status: criteria provided, single submitter. Criteria: Invitae Variant Classification Sherloc (09022015). Collection method: clinical testing. Allele origin: germline.

CeGaT Center for Human Genetics Tuebingen
Classification: Likely benign. Last evaluated: 2022-11-01. Review status: criteria provided, single submitter. Criteria: CeGaT Center For Human Genetics Tuebingen Variant Classification Criteria Version 2. Collection method: clinical testing. Allele origin: germline. Affected: yes. Observed: 1 variant allele.
Comment: MARS1: BP4, BP7

Ambry Genetics
Classification: Likely benign. Last evaluated: 2019-07-11. Review status: criteria provided, single submitter. Criteria: Ambry Variant Classification Scheme 2023. Collection method: clinical testing. Allele origin: germline.

Molecular Genetics Laboratory, London Health Sciences Centre
Classification: Likely benign for Charcot-Marie-Tooth disease. Review status: criteria provided, single submitter. Criteria: ACMG Guidelines, 2015. Collection method: clinical testing. Allele origin: germline. Affected: yes.